The following is an entry in ClinVar:

ClinVar aggregate classification (germline): Uncertain significance. Review status: criteria provided, single submitter (1 of 4 stars). 2 submissions from 2 submitters: Uncertain significance (1). 1 of the submissions does not count toward it. Last evaluated 2025-10-18.

Conditions:
KAT2B-related disorder. Also called: KAT2B-related condition.

Allele frequency attached by ClinVar (database versions not stated): gnomAD 0.00001; gnomAD exomes below 0.00001; TOPMed below 0.00001.

Submissions (2):

Ambry Genetics
Classification: Uncertain significance. Last evaluated: 2025-10-18. Review status: criteria provided, single submitter. Criteria: Ambry Variant Classification Scheme 2023. Collection method: clinical testing. Allele origin: germline.

PreventionGenetics, part of Exact Sciences
Classification: Uncertain significance for KAT2B-related condition. Last evaluated: 2024-01-23. Review status: no assertion criteria provided. Collection method: clinical testing. Allele origin: germline. Not counted in ClinVar's aggregate classification.
Comment: The KAT2B c.139G>C variant is predicted to result in the amino acid substitution p.Gly47Arg. To our knowledge, this variant has not been reported in the literature or in a large population database, indicating this variant is rare. At this time, the clinical significance of this variant is uncertain due to the absence of conclusive functional and genetic evidence.

NM_003884.5(KAT2B):c.139G>C (p.Gly47Arg)

Gene: KAT2B (lysine acetyltransferase 2B; plus strand). Cytogenetic location: 3p24.3.
Variant type: single nucleotide variant.
Coding change: c.139G>C on transcript NM_003884.5 (MANE Select); coding-DNA position 139, G replaced by C.
Protein change: p.Gly47Arg; replaces glycine 47 with arginine.
Molecular consequence: missense variant.
Genome position (GRCh38, 1-based): chr3:20,040,616, G>C. VCF-style: chr3-20040616-G-C. GRCh37 (hg19) VCF-style: chr3-20082108-G-C.
Other names: short protein forms G47R.
Identifiers: ClinVar variation 3030689 (VCV003030689.3), dbSNP rs1167724402, ClinGen allele CA351858922.